The following is an entry in ClinVar:

NM_006904.7(PRKDC):c.2955G>C (p.Glu985Asp)

Gene: PRKDC (protein kinase, DNA-activated, catalytic subunit; minus strand). Cytogenetic location: 8q11.21.
Variant type: single nucleotide variant.
Coding change: c.2955G>C on transcript NM_006904.7 (MANE Select); coding-DNA position 2955, G replaced by C.
Protein change: p.Glu985Asp; replaces glutamic acid 985 with aspartic acid.
Molecular consequence: missense variant.
Genome position (GRCh38, 1-based): chr8:47,904,956, C>G on the plus strand (G>C on the coding strand, the complement: PRKDC is on the minus strand). VCF-style: chr8-47904956-C-G. GRCh37 (hg19) VCF-style: chr8-48817516-C-G.
Other names: c.2955G>C, p.Glu985Asp (NM_001081640.2); short protein forms E985D.
Identifiers: ClinVar variation 636454 (VCV000636454.8), dbSNP rs202016860, ClinGen allele CA4741311.
Genomic context (GRCh38, chr8:47,904,956, plus strand): 5'-ATCCTGACTTTCAAATTTCTTGTTGTTAGTGAACCAGTGAATCAGCTGCATAACTAGTGG[C>G]TCATACAGTTGCCTTGTCACCTGAAGAAACAATACCATTAAAGTTAATTCCCTTCATGTT-3'
Protein context (NP_008835.5, residues 975-995): DVDQVTRQLY[Glu985Asp]PLVMQLIHWF

ClinVar aggregate classification (germline): Uncertain significance. Review status: criteria provided, multiple submitters, no conflicts (2 of 4 stars). 3 submissions from 3 submitters: Uncertain significance (3). Last evaluated 2023-01-23.

Conditions:
Severe combined immunodeficiency due to DNA-PKcs deficiency. Also called: Immunodeficiency 26 with or without neurologic abnormalities; IMMUNODEFICIENCY 26 WITH NEUROLOGIC ABNORMALITIES. Identifiers: Orphanet 317425, MedGen C4014833, MONDO:0014423, OMIM 615966.

Allele frequency attached by ClinVar (database versions not stated): gnomAD exomes 0.00009 and 0.00032; ExAC 0.00010; gnomAD 0.00013; TOPMed 0.00015; ESP Exome Variant Server 0.00025.
gnomAD v4.1: 477 of 1,613,144 alleles (0.03%); highest among the groups gnomAD compares: Non-Finnish European, 0.04%; no homozygotes.

Submissions (3):

Ambry Genetics
Classification: Uncertain significance. Last evaluated: 2023-01-23. Review status: criteria provided, single submitter. Criteria: Ambry Variant Classification Scheme 2023. Collection method: clinical testing. Allele origin: germline.

Labcorp Genetics (formerly Invitae), Labcorp
Classification: Uncertain significance for Severe combined immunodeficiency due to DNA-PKcs deficiency. Last evaluated: 2022-07-11. Review status: criteria provided, single submitter. Criteria: Invitae Variant Classification Sherloc (09022015). Collection method: clinical testing. Allele origin: germline.
Comment: This sequence change replaces glutamic acid, which is acidic and polar, with aspartic acid, which is acidic and polar, at codon 985 of the PRKDC protein (p.Glu985Asp). This variant is present in population databases (rs202016860, gnomAD 0.02%). This variant has not been reported in the literature in individuals affected with PRKDC-related conditions. ClinVar contains an entry for this variant (Variation ID: 636454). In summary, the available evidence is currently insufficient to determine the role of this variant in disease. Therefore, it has been classified as a Variant of Uncertain Significance.

Blueprint Genetics
Classification: Uncertain significance. Last evaluated: 2022-05-03. Review status: criteria provided, single submitter. Criteria: ACMG Guidelines, 2015. Collection method: clinical testing. Allele origin: germline.